The following is an entry in ClinVar:

ClinVar aggregate classification (germline): Uncertain significance (1 of 4 stars; one submission).

Allele frequency attached by ClinVar (database versions not stated): gnomAD exomes below 0.00001.
gnomAD v4.1: 1 of 1,613,880 alleles (0.000062%); highest among the groups gnomAD compares: South Asian, 0.0011%; no homozygotes.

Submission:

Laboratory for Molecular Medicine, Mass General Brigham Personalized Medicine
Classification: Uncertain significance. Last evaluated: 2020-09-11. Review status: criteria provided, single submitter. Criteria: ACMG Guidelines, 2015. Collection method: clinical testing. Allele origin: germline.
Comment: The p.Ser797Pro variant in BICC1 has not been previously reported in individuals with cystic renal dysplasia and has been identified in 0.003% (1/30608) of South Asian chromosomes by the Genome Aggregation Database (gnomAD; dbSNP rs1230679224). For diseases with clinical variability or reduced penetrance, as has been suggested with this gene (Kraus et al. 2012), pathogenic variants may be present at a low frequency in the general population. This variant was confirmed to be de novo through trio whole genome sequencing analysis in an individual with a unilateral multicystic dysplastic kidney, contralateral duplicated renal collecting system, and transient neutropenia by the Broad Institute Rare Genomes Project. Computational prediction tools and conservation analysis do not provide strong support for or against an impact to the protein. Currently, there is moderate evidence to support an association between BICC1 and renal dysplasia. In summary, while there is some evidence suggesting a pathogenic role, the clinical significance of this variant is uncertain. ACMG/AMP Criteria applied: PS2_Moderate, PM2.

Literature cited by the submitters: PubMed 20215348; PubMed 24594709; PubMed 12682776; PubMed 21922595.

NM_001080512.3(BICC1):c.2389T>C (p.Ser797Pro)

Gene: BICC1 (BicC family RNA binding protein 1; plus strand). Cytogenetic location: 10q21.1.
Variant type: single nucleotide variant.
Coding change: c.2389T>C on transcript NM_001080512.3 (MANE Select); coding-DNA position 2389, T replaced by C.
Protein change: p.Ser797Pro; replaces serine 797 with proline.
Molecular consequence: missense variant.
Genome position (GRCh38, 1-based): chr10:58,813,842, T>C. VCF-style: chr10-58813842-T-C. GRCh37 (hg19) VCF-style: chr10-60573602-T-C.
Other names: short protein forms S797P.
Identifiers: ClinVar variation 3075780 (VCV003075780.1), dbSNP rs1230679224, ClinGen allele CA376980912.